The following is an entry in ClinVar:

NM_003000.3(SDHB):c.286+2T>C

Gene: SDHB (succinate dehydrogenase complex iron sulfur subunit B; minus strand). Cytogenetic location: 1p36.13.
Variant type: single nucleotide variant.
Coding change: c.286+2T>C on transcript NM_003000.3 (MANE Select); the canonical splice donor site of the intron after coding-DNA position 286, T replaced by C.
Molecular consequence: splice donor variant.
Genome position (GRCh38, 1-based): chr1:17,033,058, A>G on the plus strand (T>C on the coding strand, the complement: SDHB is on the minus strand). VCF-style: chr1-17033058-A-G. GRCh37 (hg19) VCF-style: chr1-17359553-A-G.
Other names: NC_000001.10:g.17359553A>G; c.286+2T>C (NM_001407361.1).
Identifiers: ClinVar variation 3316889 (VCV003316889.3).

ClinVar aggregate classification (germline): Pathogenic/Likely pathogenic. Review status: criteria provided, multiple submitters, no conflicts (2 of 4 stars). 2 submissions from 2 submitters: Pathogenic (1); Likely pathogenic (1). Last evaluated 2026-04-28.

Conditions:
Hereditary cancer-predisposing syndrome. Also called: Tumor predisposition; Hereditary Cancer Syndrome; Neoplastic Syndromes, Hereditary; Hereditary neoplastic syndrome. Identifiers: Orphanet 140162, MedGen C0027672, MeSH D009386, MONDO:0015356.
Pheochromocytoma/paraganglioma syndrome 4. Also called: CAROTID BODY TUMORS AND MULTIPLE EXTRAADRENAL PHEOCHROMOCYTOMAS; PARAGANGLIOMA, FAMILIAL MALIGNANT; PARAGANGLIOMAS, HEREDITARY EXTRAADRENAL; PHEOCHROMOCYTOMA, FAMILIAL EXTRAADRENAL; Paragangliomas 4; SDHB-Related Hereditary Paraganglioma-Pheochromocytoma Syndrome (Paragangliomas 4). Identifiers: Orphanet 29072, MedGen C1861848, MONDO:0007273, OMIM 115310.

Submissions (3):

Myriad Genetics, Inc.
Classification: Pathogenic for Pheochromocytoma/paraganglioma syndrome 4. Last evaluated: 2026-04-28. Review status: criteria provided, single submitter. Criteria: Myriad Autosomal Dominant, Autosomal Recessive and X-Linked Classification Criteria (2023). Collection method: clinical testing. Allele origin: unknown.
Comment: This variant is considered pathogenic. This variant occurs within a consensus splice junction and is predicted to result in abnormal mRNA splicing of either an out-of-frame exon or an in-frame exon necessary for protein stability and/or normal function. This variant has been reported in multiple individuals with clinical features of gene-specific disease [PMID: 30877234, 28374168, 28409892, 30201732, 33391357, 17200167].

Ambry Genetics
Classification: Likely pathogenic for Hereditary cancer-predisposing syndrome. Last evaluated: 2024-05-02. Review status: criteria provided, single submitter. Criteria: Ambry Variant Classification Scheme 2023. Collection method: clinical testing. Allele origin: germline.
Comment: The c.286+2T>C intronic variant results from a T to C substitution two nucleotides after coding exon 3 in the SDHB gene. Other alterations impacting the same donor site (c.286+2T>A and c.286+1G>A) has been detected in multiple individuals diagnosed with paragangliomas and/or pheochromocytomas (Brouwers FM et al. J. Clin. Endocrinol. Metab. 2006 Nov;91:4505-9; Timmers HJ et al. J. Clin. Endocrinol. Metab. 2007 Mar;92:779-86; Isobe K et al. Horm. Res. 2007 Feb;68:68-71; Pandit R et al. Eur. J. Endocrinol. 2016 Oct;175:311-23; Ben Aim L et al. J Med Genet, 2019 08;56:513-520). This nucleotide position is highly conserved in available vertebrate species. In silico splice site analysis predicts that this alteration will weaken the native splice donor site. This variant is considered to be rare based on population cohorts in the Genome Aggregation Database (gnomAD). Alterations that disrupt the canonical splice site are expected to cause aberrant splicing, resulting in an abnormal protein or a transcript that is subject to nonsense-mediated mRNA decay. Based on the majority of available evidence to date, this variant is likely to be pathogenic.

Dr. Peter K. Rogan Lab, Western University
No classification provided (evidence only). Condition: Nonpapillary renal cell carcinoma. Review status: no classification provided. Collection method: in vitro. Allele origin: not applicable. Functional consequence: retained intron. Not counted in ClinVar's aggregate classification.

Literature cited by the submitters: PubMed 30877234 (cited by Myriad Genetics, Inc.); PubMed 28374168 (cited by Myriad Genetics, Inc.); PubMed 28409892 (cited by Myriad Genetics, Inc.); PubMed 30201732 (cited by Myriad Genetics, Inc.); PubMed 33391357 (cited by Myriad Genetics, Inc.); PubMed 17200167 (cited by Myriad Genetics, Inc.).